The following is an entry in ClinVar:

NM_032119.4(ADGRV1):c.10910del (p.Asn3637fs)

Gene: ADGRV1 (adhesion G protein-coupled receptor V1; plus strand). Cytogenetic location: 5q14.3.
Variant type: Deletion.
Coding change: c.10910del on transcript NM_032119.4 (MANE Select); coding-DNA position 10910, one base deleted (A; older notation c.10910delA).
Protein change: p.Asn3637fs; shifts the reading frame from asparagine 3637.
Molecular consequence: frameshift variant. On other transcripts: non-coding transcript variant (1).
Genome position (GRCh38, 1-based): chr5:90,745,731, A deleted; the last of 2 consecutive A bases (chr5:90,745,730-90,745,731); deleting either gives the same sequence. VCF-style (leftmost placement, unchanged base first): chr5-90745729-TA-T. GRCh37 (hg19) VCF-style: chr5-90041546-TA-T.
Other names: NC_000005.9:g.90041548del; NP_115495.3:p.(Asn3637MetfsTer4); short protein forms N3637fs.
Identifiers: ClinVar variation 3381766 (VCV003381766.2).

ClinVar aggregate classification (germline): Pathogenic (1 of 4 stars; one submission).

Conditions:
Retinal dystrophy. Also called: Inherited retinal dystrophy. Identifiers: Orphanet 71862, MedGen C0854723, MeSH D058499, MONDO:0019118, HP:0000556.

Submission:

Ophthalmic Genetics Group, Institute of Molecular and Clinical Ophthalmology Basel
Classification: Pathogenic for Retinal dystrophy. Last evaluated: 2024-05-27. Review status: criteria provided, single submitter. Criteria: ACMG Guidelines, 2015. Collection method: research. Allele origin: germline. Affected: yes. Observed: 3 variant alleles.
Comment: This variant was classified as Pathogenic based on ACMG criteria: PVS1_very strong, PM2_sup, PM3_mod and PP1_strong

Literature cited by the submitters: PubMed 40180963.